The following is an entry in ClinVar:

ClinVar aggregate classification (germline): Pathogenic (1 of 4 stars; one submission).

Submission:

Labcorp Genetics (formerly Invitae), Labcorp
Classification: Pathogenic. Last evaluated: 2025-11-28. Review status: criteria provided, single submitter. Criteria: Invitae Variant Classification Sherloc (09022015). Collection method: clinical testing. Allele origin: germline.
Comment: This sequence change affects an acceptor splice site in intron 32 of the ABCA4 gene. It is expected to disrupt RNA splicing. Variants that disrupt the donor or acceptor splice site typically lead to a loss of protein function (PMID: 16199547), and loss-of-function variants in ABCA4 are known to be pathogenic (PMID: 10958761, 24938718, 25312043, 26780318). This variant is not present in population databases (gnomAD no frequency). Disruption of this splice site has been observed in individual(s) with Stargardt disease (PMID: 23755871). ClinVar contains an entry for this variant (Variation ID: 1457677). Algorithms developed to predict the effect of sequence changes on RNA splicing suggest that this variant may disrupt the consensus splice site. For these reasons, this variant has been classified as Pathogenic.

Literature cited by the submitters: PubMed 16199547; PubMed 10958761; PubMed 24938718; PubMed 25312043; PubMed 26780318; PubMed 23755871.

NM_000350.3(ABCA4):c.4668-1G>A

Gene: ABCA4 (ATP binding cassette subfamily A member 4; minus strand). Cytogenetic location: 1p22.1.
Variant type: single nucleotide variant.
Coding change: c.4668-1G>A on transcript NM_000350.3 (MANE Select); the canonical splice acceptor site of the intron before coding-DNA position 4668, G replaced by A.
Molecular consequence: splice acceptor variant.
Genome position (GRCh38, 1-based): chr1:94,021,952, C>T on the plus strand (G>A on the coding strand, the complement: ABCA4 is on the minus strand). VCF-style: chr1-94021952-C-T. GRCh37 (hg19) VCF-style: chr1-94487508-C-T.
Identifiers: ClinVar variation 1457677 (VCV001457677.6), dbSNP rs1439783011, ClinGen allele CA341284094.